The following is an entry in ClinVar:

NM_024675.4(PALB2):c.3513G>C (p.Leu1171Phe)

Gene: PALB2 (partner and localizer of BRCA2; minus strand). Cytogenetic location: 16p12.2.
Variant type: single nucleotide variant.
Coding change: c.3513G>C on transcript NM_024675.4 (MANE Select); coding-DNA position 3513, G replaced by C.
Protein change: p.Leu1171Phe; replaces leucine 1171 with phenylalanine.
Molecular consequence: missense variant.
Genome position (GRCh38, 1-based): chr16:23,603,507, C>G on the plus strand (G>C on the coding strand, the complement: PALB2 is on the minus strand). VCF-style: chr16-23603507-C-G. GRCh37 (hg19) VCF-style: chr16-23614828-C-G.
Other names: short protein forms L1171F.
Identifiers: ClinVar variation 801240 (VCV000801240.19), dbSNP rs1221176559, ClinGen allele CA395137860.

ClinVar aggregate classification (germline): Uncertain significance. Review status: criteria provided, multiple submitters, no conflicts (2 of 4 stars). 6 submissions from 6 submitters: Uncertain significance (6). Last evaluated 2026-04-11.

Conditions:
Hereditary cancer-predisposing syndrome. Also called: Neoplastic Syndromes, Hereditary; Hereditary neoplastic syndrome; Hereditary Cancer Syndrome; Tumor predisposition. Identifiers: Orphanet 140162, MedGen C0027672, MeSH D009386, MONDO:0015356.
Familial cancer of breast. Also called: BREAST CANCER, FAMILIAL; Hereditary breast cancer; hereditary breast carcinoma. Identifiers: Orphanet 227535, MedGen C0346153, MONDO:0016419, OMIM 114480. Disease mechanism: loss of function.

Allele frequency attached by ClinVar (database versions not stated): gnomAD exomes below 0.00001; TOPMed 0.00001; gnomAD 0.00001.
gnomAD v4.1: 2 of 1,613,916 alleles (0.00012%); highest among the groups gnomAD compares: African/African-American, 0.0027%; no homozygotes.

Submissions (6):

Ambry Genetics
Classification: Uncertain significance for Hereditary cancer-predisposing syndrome. Last evaluated: 2026-04-11. Review status: criteria provided, single submitter. Criteria: Ambry Variant Classification Scheme 2023. Collection method: clinical testing. Allele origin: germline.

Labcorp Genetics (formerly Invitae), Labcorp
Classification: Uncertain significance for Familial cancer of breast. Last evaluated: 2023-03-26. Review status: criteria provided, single submitter. Criteria: Invitae Variant Classification Sherloc (09022015). Collection method: clinical testing. Allele origin: germline.
Comment: In summary, the available evidence is currently insufficient to determine the role of this variant in disease. Therefore, it has been classified as a Variant of Uncertain Significance. An algorithm developed to predict the effect of missense changes on protein structure and function (PolyPhen-2) suggests that this variant is likely to be disruptive. ClinVar contains an entry for this variant (Variation ID: 801240). This missense change has been observed in individual(s) with a personal and/or family history of breast cancer (PMID: 25575445). This variant is not present in population databases (gnomAD no frequency). This sequence change replaces leucine, which is neutral and non-polar, with phenylalanine, which is neutral and non-polar, at codon 1171 of the PALB2 protein (p.Leu1171Phe).

GeneDx
Classification: Uncertain significance. Last evaluated: 2021-12-22. Review status: criteria provided, single submitter. Criteria: GeneDx Variant Classification Process June 2021. Collection method: clinical testing. Allele origin: germline. Affected: yes.
Comment: Not observed at significant frequency in large population cohorts (Lek 2016); In silico analysis supports that this missense variant has a deleterious effect on protein structure/function; Observed in an individual with a personal or family history of breast cancer (Nguyen-Dumont 2015); This variant is associated with the following publications: (PMID: 19609323, 20871615, 24485656, 25575445)

Sema4
Classification: Uncertain significance for Hereditary cancer-predisposing syndrome. Last evaluated: 2021-08-25. Review status: criteria provided, single submitter. Criteria: Sema4 Curation Guidelines. Collection method: curation. Allele origin: germline.
Comment: The PALB2 c.3513G>C (p.L1171F) variant has been reported in at least one individual with personal and/or family history of breast cancer (PMID: 25575445). It was not observed in the large and broad cohorts of the Genome Aggregation Database (PMID: 32461654). The variant has been reported in ClinVar (Variation ID 801240). Functional studies have not been performed, and in silico predictions of the variant's effect on protein function are inconclusive. The evidence is insufficient to meet ACMG/AMP criteria for classifying the variant as benign or pathogenic. Thus, the clinical significance of this variant is currently uncertain.

Quest Diagnostics Nichols Institute San Juan Capistrano
Classification: Uncertain significance. Last evaluated: 2019-06-10. Review status: criteria provided, single submitter. Criteria: Quest Diagnostics criteria. Collection method: clinical testing. Allele origin: germline.

Color Diagnostics, LLC DBA Color Health
Classification: Uncertain significance for Hereditary cancer-predisposing syndrome. Last evaluated: 2019-01-10. Review status: criteria provided, single submitter. Criteria: ACMG Guidelines, 2015. Collection method: clinical testing. Allele origin: germline.

Literature cited by the submitters: PubMed 25575445 (cited by 3 submitters).